The following is an entry in ClinVar:

NM_000257.4(MYH7):c.3499C>G (p.Arg1167Gly)

Gene: MYH7 (myosin heavy chain 7; minus strand). Cytogenetic location: 14q11.2.
Variant type: single nucleotide variant.
Coding change: c.3499C>G on transcript NM_000257.4 (MANE Select); coding-DNA position 3499, C replaced by G.
Protein change: p.Arg1167Gly; replaces arginine 1167 with glycine.
Molecular consequence: missense variant.
Genome position (GRCh38, 1-based): chr14:23,420,072, G>C on the plus strand (C>G on the coding strand, the complement: MYH7 is on the minus strand). VCF-style: chr14-23420072-G-C. GRCh37 (hg19) VCF-style: chr14-23889281-G-C.
Other names: short protein forms R1167G.
Identifiers: ClinVar variation 1051122 (VCV001051122.10), dbSNP rs751695298, ClinGen allele CA389043683.
Genomic context (GRCh38, chr14:23,420,072, plus strand): 5'-CCTCGTGCTGCAGCGTGGCCTCCTCCAGGTCCCGCCGCATCTTCTGGAACTCGGCCTCGC[G>C]CTTCTTGTTCATCTCGATCTGCACGGACGTGGCCCCGCCGGCCTCTTCCAGCCGCTCGCT-3'
Protein context (NP_000248.2, residues 1157-1177): TSVQIEMNKK[Arg1167Gly]EAEFQKMRRD

ClinVar aggregate classification (germline): Uncertain significance. Review status: criteria provided, multiple submitters, no conflicts (2 of 4 stars). 2 submissions from 2 submitters: Uncertain significance (2). Last evaluated 2026-08-16.

Conditions:
Cardiovascular phenotype. Identifiers: MedGen CN230736.
Hypertrophic cardiomyopathy. Also called: HYPERTROPHIC MYOCARDIOPATHY. Identifiers: Orphanet 217569, MedGen C0007194, MeSH D002312, MONDO:0005045, HP:0001639.

Allele frequency attached by ClinVar (database versions not stated): TOPMed below 0.00001.
gnomAD v4.1: 6 of 1,592,276 alleles (0.00038%); highest among the groups gnomAD compares: Non-Finnish European, 0.00043%; no homozygotes.

Submissions (2):

Ambry Genetics
Classification: Uncertain significance for Cardiovascular phenotype. Last evaluated: 2026-08-16. Review status: criteria provided, single submitter. Criteria: Ambry Variant Classification Scheme 2023. Collection method: clinical testing. Allele origin: germline.
Comment: The p.R1167G variant (also known as c.3499C>G), located in coding exon 25 of the MYH7 gene, results from a C to G substitution at nucleotide position 3499. The arginine at codon 1167 is replaced by glycine, an amino acid with dissimilar properties. This amino acid position is conserved. In addition, this alteration is predicted to be deleterious by in silico analysis. Based on the available evidence, the clinical significance of this variant remains unclear.

Labcorp Genetics (formerly Invitae), Labcorp
Classification: Uncertain significance for Hypertrophic cardiomyopathy. Last evaluated: 2025-08-29. Review status: criteria provided, single submitter. Criteria: Invitae Variant Classification Sherloc (09022015). Collection method: clinical testing. Allele origin: germline.
Comment: This sequence change replaces arginine, which is basic and polar, with glycine, which is neutral and non-polar, at codon 1167 of the MYH7 protein (p.Arg1167Gly). This variant is not present in population databases (gnomAD no frequency). This variant has not been reported in the literature in individuals affected with MYH7-related conditions. ClinVar contains an entry for this variant (Variation ID: 1051122). Invitae Evidence Modeling of protein sequence and biophysical properties (such as structural, functional, and spatial information, amino acid conservation, physicochemical variation, residue mobility, and thermodynamic stability) indicates that this missense variant is expected to disrupt MYH7 protein function with a positive predictive value of 95%. In summary, the available evidence is currently insufficient to determine the role of this variant in disease. Therefore, it has been classified as a Variant of Uncertain Significance.